The following is an entry in ClinVar:

NM_058216.3(RAD51C):c.1027-9A>T

Gene: RAD51C (RAD51 paralog C; plus strand). Cytogenetic location: 17q22.
Variant type: single nucleotide variant.
Coding change: c.1027-9A>T on transcript NM_058216.3 (MANE Select); 9 bases into the intron before coding-DNA position 1027, A replaced by T.
Molecular consequence: intron variant.
Genome position (GRCh38, 1-based): chr17:58,734,109, A>T. VCF-style: chr17-58734109-A-T. GRCh37 (hg19) VCF-style: chr17-56811470-A-T.
Identifiers: ClinVar variation 3904344 (VCV003904344.1).

ClinVar aggregate classification (germline): Likely benign (1 of 4 stars; one submission).

Conditions:
Breast-ovarian cancer, familial, susceptibility to, 3. Also called: RAD51C-Related Breast/Ovarian Cancer. Identifiers: Orphanet 145, MedGen C3150659, MONDO:0013253, OMIM 613399.

Submission:

Myriad Genetics, Inc.
Classification: Likely benign for Breast-ovarian cancer, familial, susceptibility to, 3. Last evaluated: 2025-02-19. Review status: criteria provided, single submitter. Criteria: Myriad Autosomal Dominant, Autosomal Recessive and X-Linked Classification Criteria (2023). Collection method: clinical testing. Allele origin: unknown.
Comment: This variant is considered likely benign. This variant is intronic and is not expected to impact mRNA splicing.